The following is an entry in ClinVar:

ClinVar aggregate classification (germline): Uncertain significance (1 of 4 stars; one submission).

Conditions:
Familial hypobetalipoproteinemia 1. Also called: Hypobetalipoproteinemia, normotriglyceridemic; Acanthocytosis with hypobetalipoproteinemia; APOB-Related Familial Hypobetalipoproteinemia. Identifiers: MedGen C4551990, MONDO:0014252, OMIM 615558.
Hypercholesterolemia, autosomal dominant, type B (FHCL2). Also called: Familial Hypercholesterolemia Type B; APOLIPOPROTEIN B-100, FAMILIAL DEFECTIVE; APOLIPOPROTEIN B-100, FAMILIAL LIGAND-DEFECTIVE; HYPERCHOLESTEROLEMIA, FAMILIAL, DUE TO LIGAND-DEFECTIVE APOLIPOPROTEIN B; APOB-Related Familial Hypercholesterolemia, Autosomal Dominant; Hyperlipoproteinemia Type IIb. Identifiers: MedGen C1704417, MONDO:0007751, OMIM 144010.

Submission:

Labcorp Genetics (formerly Invitae), Labcorp
Classification: Uncertain significance for Familial hypobetalipoproteinemia 1; Hypercholesterolemia, autosomal dominant, type B. Last evaluated: 2025-08-08. Review status: criteria provided, single submitter. Criteria: Invitae Variant Classification Sherloc (09022015). Collection method: clinical testing. Allele origin: germline.
Comment: This sequence change replaces threonine, which is neutral and polar, with serine, which is neutral and polar, at codon 205 of the APOB protein (p.Thr205Ser). This variant is not present in population databases (gnomAD no frequency). This variant has not been reported in the literature in individuals affected with APOB-related conditions. Invitae Evidence Modeling of protein sequence and biophysical properties (such as structural, functional, and spatial information, amino acid conservation, physicochemical variation, residue mobility, and thermodynamic stability) indicates that this missense variant is not expected to disrupt APOB protein function with a negative predictive value of 95%. In summary, the available evidence is currently insufficient to determine the role of this variant in disease. Therefore, it has been classified as a Variant of Uncertain Significance.

NM_000384.3(APOB):c.613A>T (p.Thr205Ser)

Gene: APOB (apolipoprotein B; minus strand). Cytogenetic location: 2p24.1.
Variant type: single nucleotide variant.
Coding change: c.613A>T on transcript NM_000384.3 (MANE Select); coding-DNA position 613, A replaced by T.
Protein change: p.Thr205Ser; replaces threonine 205 with serine.
Molecular consequence: missense variant.
Genome position (GRCh38, 1-based): chr2:21,037,180, T>A on the plus strand (A>T on the coding strand, the complement: APOB is on the minus strand). VCF-style: chr2-21037180-T-A. GRCh37 (hg19) VCF-style: chr2-21260052-T-A.
Other names: short protein forms T205S.
Identifiers: ClinVar variation 4792773 (VCV004792773.1).